The following is an entry in ClinVar:

ClinVar aggregate classification (germline): Likely benign (1 of 4 stars; one submission).

Allele frequency attached by ClinVar (database versions not stated): gnomAD exomes below 0.00001; TOPMed 0.00001.
gnomAD v4.1: 2 of 1,355,868 alleles (0.00015%); highest among the groups gnomAD compares: South Asian, 0.0012%; no homozygotes.

Submission:

CeGaT Center for Human Genetics Tuebingen
Classification: Likely benign. Last evaluated: 2024-02-01. Review status: criteria provided, single submitter. Criteria: CeGaT Center For Human Genetics Tuebingen Variant Classification Criteria Version 2. Collection method: clinical testing. Allele origin: germline. Affected: yes. Observed: 2 variant alleles.
Comment: NOTCH3: BP4, BP7

NM_000435.3(NOTCH3):c.4884C>T (p.Asp1628=)

Gene: NOTCH3 (notch receptor 3; minus strand). Cytogenetic location: 19p13.12.
Variant type: single nucleotide variant.
Coding change: c.4884C>T on transcript NM_000435.3 (MANE Select); coding-DNA position 4884, C replaced by T.
Protein change: p.Asp1628=; no amino-acid change (aspartic acid 1628 retained).
Molecular consequence: synonymous variant.
Genome position (GRCh38, 1-based): chr19:15,170,678, G>A on the plus strand (C>T on the coding strand, the complement: NOTCH3 is on the minus strand). VCF-style: chr19-15170678-G-A. GRCh37 (hg19) VCF-style: chr19-15281489-G-A.
Identifiers: ClinVar variation 3025298 (VCV003025298.22), dbSNP rs1176015815, ClinGen allele CA506076987.